The following is an entry in ClinVar:

ClinVar aggregate classification (germline): Uncertain significance. Review status: criteria provided, multiple submitters, no conflicts (2 of 4 stars). 3 submissions from 3 submitters: Uncertain significance (3). Last evaluated 2026-06-07.

Conditions:
COL11A1-related disorder. Also called: COL11A1-related condition; COL11A1-related disorders.

Allele frequency attached by ClinVar (database versions not stated): ExAC 0.00001; gnomAD exomes 0.00001; gnomAD 0.00005 and 0.00006; TOPMed 0.00006.
gnomAD v4.1: 23 of 1,613,404 alleles (0.0014%); highest among the groups gnomAD compares: African/African-American, 0.024%; no homozygotes.

Submissions (3):

PreventionGenetics, part of Exact Sciences
Classification: Uncertain significance for COL11A1-related condition. Last evaluated: 2026-06-07. Review status: criteria provided, single submitter. Criteria: ACMG Guidelines, 2015. Collection method: clinical testing. Allele origin: germline.
Comment: The COL11A1 c.1244G>A variant is predicted to result in the amino acid substitution p.Ser415Asn. To our knowledge, this variant has not been reported in the literature. This variant is reported in 0.024% of alleles in individuals of African descent in gnomAD. At this time, the clinical significance of this variant is uncertain due to the absence of conclusive functional and genetic evidence.

Labcorp Genetics (formerly Invitae), Labcorp
Classification: Uncertain significance. Last evaluated: 2025-10-29. Review status: criteria provided, single submitter. Criteria: Invitae Variant Classification Sherloc (09022015). Collection method: clinical testing. Allele origin: germline.
Comment: This sequence change replaces serine, which is neutral and polar, with asparagine, which is neutral and polar, at codon 415 of the COL11A1 protein (p.Ser415Asn). This variant is present in population databases (rs777310574, gnomAD 0.02%). This variant has not been reported in the literature in individuals affected with COL11A1-related conditions. ClinVar contains an entry for this variant (Variation ID: 1057367). An algorithm developed to predict the effect of missense changes on protein structure and function (PolyPhen-2) suggests that this variant is likely to be disruptive. In summary, the available evidence is currently insufficient to determine the role of this variant in disease. Therefore, it has been classified as a Variant of Uncertain Significance.

GeneDx
Classification: Uncertain significance. Last evaluated: 2023-03-21. Review status: criteria provided, single submitter. Criteria: GeneDx Variant Classification Process June 2021. Collection method: clinical testing. Allele origin: germline. Affected: yes.
Comment: In silico analysis supports that this missense variant does not alter protein structure/function; Not located in the triple helical region, where the majority of pathogenic missense variants occur (HGMD; Acke et al., 2014); Has not been previously published as pathogenic or benign to our knowledge; This variant is associated with the following publications: (PMID: 25240749)

NM_001854.4(COL11A1):c.1244G>A (p.Ser415Asn)

Gene: COL11A1 (collagen type XI alpha 1 chain; minus strand). Cytogenetic location: 1p21.1.
Variant type: single nucleotide variant.
Coding change: c.1244G>A on transcript NM_001854.4 (MANE Select); coding-DNA position 1244, G replaced by A.
Protein change: p.Ser415Asn; replaces serine 415 with asparagine.
Molecular consequence: missense variant. On other transcripts: non-coding transcript variant (1), intron variant (1).
Genome position (GRCh38, 1-based): chr1:103,022,743, C>T on the plus strand (G>A on the coding strand, the complement: COL11A1 is on the minus strand). VCF-style: chr1-103022743-C-T. GRCh37 (hg19) VCF-style: chr1-103488299-C-T.
Other names: c.1127G>A, p.Ser376Asn (NM_001190709.2); c.1280G>A, p.Ser427Asn (NM_080629.3); c.898-974G>A (NM_080630.4); c.1244G>A (NM_001854.3); short protein forms S376N, S415N, S427N.
Identifiers: ClinVar variation 1057367 (VCV001057367.10), dbSNP rs777310574, ClinGen allele CA975090.